The following is an entry in ClinVar:

ClinVar aggregate classification (germline): Benign (1 of 4 stars; one submission).

Conditions:
Ichthyosis bullosa of Siemens (IBS). Also called: Superficial epidermolytic ichthyosis. Identifiers: Orphanet 455, MedGen C0432306, MONDO:0007813, OMIM 146800.

Allele frequency attached by ClinVar (database versions not stated): gnomAD exomes 0.00063; gnomAD 0.00552 and 0.00588; TOPMed 0.00632; 1000 Genomes Project 30x 0.00671; 1000 Genomes Project 0.00679.

Submission:

Illumina Laboratory Services, Illumina
Classification: Benign for Ichthyosis bullosa of Siemens. Last evaluated: 2018-01-12. Review status: criteria provided, single submitter. Criteria: ICSL Variant Classification Criteria 13 December 2019. Collection method: clinical testing. Allele origin: germline.
Comment: This variant was observed in the ICSL laboratory as part of a predisposition screen in an ostensibly healthy population. It had not been previously curated by ICSL or reported in the Human Gene Mutation Database (HGMD: prior to June 1st, 2018), and was therefore a candidate for classification through an automated scoring system. Utilizing variant allele frequency, disease prevalence and penetrance estimates, and inheritance mode, an automated score was calculated to assess if this variant is too frequent to cause the disease. Based on the score and internal cut-off values, a variant classified as benign is not then subjected to further curation. The score for this variant resulted in a classification of benign for this disease.

NM_000423.3(KRT2):c.*300T>C

Gene: KRT2 (keratin 2; minus strand). Cytogenetic location: 12q13.13.
Variant type: single nucleotide variant.
Coding change: c.*300T>C on transcript NM_000423.3 (MANE Select); 300 bases downstream of the stop codon, T replaced by C.
Molecular consequence: 3 prime UTR variant.
Genome position (GRCh38, 1-based): chr12:52,644,719, A>G on the plus strand (T>C on the coding strand, the complement: KRT2 is on the minus strand). VCF-style: chr12-52644719-A-G. GRCh37 (hg19) VCF-style: chr12-53038503-A-G.
Identifiers: ClinVar variation 309587 (VCV000309587.5), dbSNP rs58532645, ClinGen allele CA10641886.